The following is an entry in ClinVar:

ClinVar aggregate classification (germline): Pathogenic (1 of 4 stars; one submission).

Conditions:
Frontotemporal dementia and/or amyotrophic lateral sclerosis 4. Also called: FTDALS4. Identifiers: Orphanet 275872, MedGen C4225325, MONDO:0014641, OMIM 616439.

Submission:

Labcorp Genetics (formerly Invitae), Labcorp
Classification: Pathogenic for Frontotemporal dementia and/or amyotrophic lateral sclerosis 4. Last evaluated: 2024-01-18. Review status: criteria provided, single submitter. Criteria: Invitae Variant Classification Sherloc (09022015). Collection method: clinical testing. Allele origin: germline.
Comment: This sequence change creates a premature translational stop signal (p.Asp546Glufs*3) in the TBK1 gene. It is expected to result in an absent or disrupted protein product. Loss-of-function variants in TBK1 are known to be pathogenic (PMID: 25803835, 26476236, 26581300). This variant is not present in population databases (gnomAD no frequency). This variant has not been reported in the literature in individuals affected with TBK1-related conditions. For these reasons, this variant has been classified as Pathogenic.

Literature cited by the submitters: PubMed 25803835; PubMed 26476236; PubMed 26581300.

NM_013254.4(TBK1):c.1638_1641del (p.Asp546fs)

Gene: TBK1 (TANK binding kinase 1; plus strand). Cytogenetic location: 12q14.2.
Variant type: Deletion.
Coding change: c.1638_1641del on transcript NM_013254.4 (MANE Select); coding-DNA positions 1638 to 1641, 4 bases deleted (CAGA; older notation c.1638_1641delCAGA).
Protein change: p.Asp546fs; shifts the reading frame from aspartic acid 546.
Molecular consequence: frameshift variant.
Genome position (GRCh38, 1-based): chr12:64,495,599-64,495,602, CAGA deleted; deleting any 4 consecutive bases within chr12:64,495,596-64,495,602 gives the same sequence; the c. name uses the placement nearest the transcript's 3' end. VCF-style (leftmost placement, unchanged base first): chr12-64495595-AAGAC-A. GRCh37 (hg19) VCF-style: chr12-64889375-AAGAC-A.
Other names: short protein forms D546fs.
Identifiers: ClinVar variation 2872281 (VCV002872281.3), dbSNP rs2539534664, ClinGen allele CA2739272138.